The following is an entry in ClinVar:

NM_021102.4(SPINT2):c.191A>G (p.Gln64Arg)

Gene: SPINT2 (serine peptidase inhibitor, Kunitz type 2; plus strand). Cytogenetic location: 19q13.2.
Variant type: single nucleotide variant.
Coding change: c.191A>G on transcript NM_021102.4 (MANE Select); coding-DNA position 191, A replaced by G.
Protein change: p.Gln64Arg; replaces glutamine 64 with arginine.
Molecular consequence: missense variant. On other transcripts: intron variant (1).
Genome position (GRCh38, 1-based): chr19:38,283,711, A>G. VCF-style: chr19-38283711-A-G. GRCh37 (hg19) VCF-style: chr19-38774351-A-G.
Other names: c.107-4165A>G (NM_001166103.2); short protein forms Q64R.
Identifiers: ClinVar variation 1932960 (VCV001932960.2), dbSNP rs758352175, ClinGen allele CA9411341.

ClinVar aggregate classification (germline): Uncertain significance (1 of 4 stars; one submission).

Allele frequency attached by ClinVar (database versions not stated): gnomAD 0.00001; ExAC 0.00002; gnomAD exomes 0.00002; TOPMed 0.00002.
gnomAD v4.1: 14 of 1,613,974 alleles (0.00087%); highest among the groups gnomAD compares: Non-Finnish European, 0.0012%; no homozygotes.

Submission:

Labcorp Genetics (formerly Invitae), Labcorp
Classification: Uncertain significance. Last evaluated: 2022-05-06. Review status: criteria provided, single submitter. Criteria: Invitae Variant Classification Sherloc (09022015). Collection method: clinical testing. Allele origin: germline.
Comment: This sequence change replaces glutamine, which is neutral and polar, with arginine, which is basic and polar, at codon 64 of the SPINT2 protein (p.Gln64Arg). This variant is present in population databases (rs758352175, gnomAD 0.002%). This variant has not been reported in the literature in individuals affected with SPINT2-related conditions. Algorithms developed to predict the effect of missense changes on protein structure and function are either unavailable or do not agree on the potential impact of this missense change (SIFT: "Deleterious"; PolyPhen-2: "Benign"; Align-GVGD: "Class C35"). In summary, the available evidence is currently insufficient to determine the role of this variant in disease. Therefore, it has been classified as a Variant of Uncertain Significance.